The following is an entry in ClinVar:

NM_000414.4(HSD17B4):c.1935A>G (p.Lys645=)

Gene: HSD17B4 (hydroxysteroid 17-beta dehydrogenase 4; plus strand). Cytogenetic location: 5q23.1.
Variant type: single nucleotide variant.
Coding change: c.1935A>G on transcript NM_000414.4 (MANE Select); coding-DNA position 1935, A replaced by G.
Protein change: p.Lys645=; no amino-acid change (lysine 645 retained).
Molecular consequence: synonymous variant. On other transcripts: non-coding transcript variant (2).
Genome position (GRCh38, 1-based): chr5:119,531,346, A>G. VCF-style: chr5-119531346-A-G. GRCh37 (hg19) VCF-style: chr5-118867041-A-G.
Other names: c.2010A>G, p.Lys670= (NM_001199291.3); c.1881A>G, p.Lys627= (NM_001199292.2); c.1863A>G, p.Lys621= (NM_001292027.2, NM_001374498.1); c.1515A>G, p.Lys505= (NM_001292028.2); c.1926A>G, p.Lys642= (NM_001374497.1); c.1608A>G, p.Lys536= (NM_001374499.1); c.1494A>G, p.Lys498= (NM_001374500.1); c.1524A>G, p.Lys508= (NM_001374501.1, NM_001374502.1, NM_001374503.1).
Identifiers: ClinVar variation 2953839 (VCV002953839.3), dbSNP rs1483206748, ClinGen allele CA446036930.

ClinVar aggregate classification (germline): Uncertain significance (1 of 4 stars; one submission).

Conditions:
Bifunctional peroxisomal enzyme deficiency (DBIF). Also called: DBP DEFICIENCY; PBFE DEFICIENCY; D-bifunctional protein deficiency. Identifiers: Orphanet 300, MedGen C0342870, MONDO:0009855, OMIM 261515. Disease mechanism: loss of function.
Perrault syndrome. Also called: Gonadal dysgenesis with auditory dysfunction, autosomal recessive inheritance. Identifiers: Orphanet 2855, MedGen C0685838, MONDO:0017312.

Allele frequency attached by ClinVar (database versions not stated): gnomAD exomes below 0.00001; TOPMed below 0.00001; gnomAD 0.00001.
gnomAD v4.1: 4 of 1,613,608 alleles (0.00025%); highest among the groups gnomAD compares: Non-Finnish European, 0.00025%; no homozygotes.

Submission:

Labcorp Genetics (formerly Invitae), Labcorp
Classification: Uncertain significance for Perrault syndrome; Bifunctional peroxisomal enzyme deficiency. Last evaluated: 2023-11-13. Review status: criteria provided, single submitter. Criteria: Invitae Variant Classification Sherloc (09022015). Collection method: clinical testing. Allele origin: germline.
Comment: This sequence change affects codon 645 of the HSD17B4 mRNA. It is a 'silent' change, meaning that it does not change the encoded amino acid sequence of the HSD17B4 protein. This variant is not present in population databases (gnomAD no frequency). This variant has not been reported in the literature in individuals affected with HSD17B4-related conditions. Algorithms developed to predict the effect of sequence changes on RNA splicing suggest that this variant may disrupt the consensus splice site. In summary, the available evidence is currently insufficient to determine the role of this variant in disease. Therefore, it has been classified as a Variant of Uncertain Significance.